The following is an entry in ClinVar:

ClinVar aggregate classification (germline): Likely pathogenic. Review status: criteria provided, multiple submitters, no conflicts (2 of 4 stars). 2 submissions from 2 submitters: Likely pathogenic (2). Last evaluated 2026-04-06.

Conditions:
Cardiovascular phenotype. Identifiers: MedGen CN230736.

Submissions (2):

GeneDx
Classification: Likely pathogenic. Last evaluated: 2026-04-06. Review status: criteria provided, single submitter. Criteria: GeneDx Variant Classification Process June 2021. Collection method: clinical testing. Allele origin: germline.
Comment: Nonsense variant predicted to result in protein truncation or nonsense mediated decay in a gene for which loss of function is a known mechanism of disease; Not observed at significant frequency in large population cohorts (gnomAD); Has not been previously published as pathogenic or benign to our knowledge; This variant is associated with the following publications: (PMID: 37937776, 31447099)

Ambry Genetics
Classification: Likely pathogenic for Cardiovascular phenotype. Last evaluated: 2025-10-02. Review status: criteria provided, single submitter. Criteria: Ambry Variant Classification Scheme 2023. Collection method: clinical testing. Allele origin: germline.
Comment: The p.Y42* variant (also known as c.126T>G), located in coding exon 1 of the DSP gene, results from a T to G substitution at nucleotide position 126. This changes the amino acid from a tyrosine to a stop codon within coding exon 1. The predicted stop codon occurs in the 5&rsquo; end of thegene. Premature termination codons in the 5&rsquo; end of a gene have been reported to escape nonsense-mediated mRNAdecay and/or lead to re-initiation (Rivas et al. Science. 2015 May 8;348(6235):666-9; Lindeboom et al. Nat Genet. 2016 Oct;48(10):1112-8; Rhee et al. Sci Rep. 2017 May 10;7(1):1653). Direct evidence for this alteration is unavailable, however premature termination codons are typically deleterious in nature. This variant is considered to be rare based on population cohorts in the Genome Aggregation Database (gnomAD). Based on the majority of available evidence to date, this variant is likely to be pathogenic.

NM_004415.4(DSP):c.126T>G (p.Tyr42Ter)

Genes: DSP (desmoplakin; plus strand), DSP-AS1 (DSP antisense RNA 1; minus strand). Cytogenetic location: 6p24.3.
Variant type: single nucleotide variant.
Coding change: c.126T>G on transcript NM_004415.4 (MANE Select); coding-DNA position 126, T replaced by G.
Protein change: p.Tyr42Ter; replaces tyrosine 42 with a stop codon.
Molecular consequence: nonsense.
Genome position (GRCh38, 1-based): chr6:7,542,041, T>G. VCF-style: chr6-7542041-T-G. GRCh37 (hg19) VCF-style: chr6-7542274-T-G.
Other names: c.126T>G, p.Tyr42Ter (NM_001008844.3, NM_001319034.2, NM_001406591.1); short protein forms Y42*.
Identifiers: ClinVar variation 4614033 (VCV004614033.2).
Genomic context (GRCh38, chr6:7,542,041, plus strand): 5'-TGGCCCGGACCTGCGCTACGAGGTGACCAGCGGCGGCGGGGGCACCAGCAGGATGTACTA[T>G]TCTCGGCGCGGCGTGATCACCGACCAGAACTCGGACGGCTACTGGTGGGTACCTGCCCGG-3'